The following is an entry in ClinVar:

ClinVar aggregate classification (germline): Conflicting classifications of pathogenicity. Review status: criteria provided, conflicting classifications (1 of 4 stars). 2 submissions from 2 submitters: Likely pathogenic (1); Uncertain significance (1). Last evaluated 2024-10-29.

Conditions:
Leukoencephalopathy with vanishing white matter 4 (VWM4). Also called: Leukoencephalopathy with vanishing white matter 4, with or without ovarian failure; EIF2B4-Related Childhood Ataxia with Central Nervous System Hypomyelination/Vanishing White Matter. Identifiers: MedGen C5830406, MONDO:0957872, OMIM 620314.

Allele frequency attached by ClinVar (database versions not stated): ExAC 0.00001; gnomAD 0.00001; gnomAD exomes 0.00001; TOPMed 0.00001; 1000 Genomes Project 30x 0.00016; 1000 Genomes Project 0.00060.

Submissions (2):

Labcorp Genetics (formerly Invitae), Labcorp
Classification: Uncertain significance. Last evaluated: 2024-10-29. Review status: criteria provided, single submitter. Criteria: Invitae Variant Classification Sherloc (09022015). Collection method: clinical testing. Allele origin: germline.
Comment: This sequence change replaces arginine, which is basic and polar, with tryptophan, which is neutral and slightly polar, at codon 356 of the EIF2B4 protein (p.Arg356Trp). This variant is present in population databases (rs113994032, gnomAD 0.006%). This missense change has been observed in individuals with leukoencephalopathy with vanishing white matter (PMID: 15136673, 34055681). This variant is also known as p.R357W or p.Arg378Trp. ClinVar contains an entry for this variant (Variation ID: 2203030). An algorithm developed to predict the effect of missense changes on protein structure and function (PolyPhen-2) suggests that this variant is likely to be disruptive. Experimental studies have shown that this missense change affects EIF2B4 function (PMID: 21560189). This variant disrupts the p.Arg356 amino acid residue in EIF2B4. Other variant(s) that disrupt this residue have been observed in individuals with EIF2B4-related conditions (PMID: 11835386, 25843247), which suggests that this may be a clinically significant amino acid residue. In summary, the available evidence is currently insufficient to determine the role of this variant in disease. Therefore, it has been classified as a Variant of Uncertain Significance.

Fulgent Genetics
Classification: Likely pathogenic for Leukoencephalopathy with vanishing white matter 4. Last evaluated: 2024-01-06. Review status: criteria provided, single submitter. Criteria: ACMG Guidelines, 2015. Collection method: clinical testing. Allele origin: germline.

Literature cited by the submitters: PubMed 15136673 (cited by Labcorp Genetics (formerly Invitae), Labcorp); PubMed 34055681 (cited by Labcorp Genetics (formerly Invitae), Labcorp); PubMed 21560189 (cited by Labcorp Genetics (formerly Invitae), Labcorp); PubMed 11835386 (cited by Labcorp Genetics (formerly Invitae), Labcorp); PubMed 25843247 (cited by Labcorp Genetics (formerly Invitae), Labcorp).

NM_001034116.2(EIF2B4):c.1069C>T (p.Arg357Trp)

Genes: EIF2B4 (eukaryotic translation initiation factor 2B subunit delta; minus strand), GTF3C2-AS2 (GTF3C2 antisense RNA 2; plus strand). Cytogenetic location: 2p23.3.
Variant type: single nucleotide variant.
Coding change: c.1069C>T on transcript NM_001034116.2 (MANE Select); coding-DNA position 1069, C replaced by T.
Protein change: p.Arg357Trp; replaces arginine 357 with tryptophan.
Molecular consequence: missense variant.
Genome position (GRCh38, 1-based): chr2:27,366,881, G>A on the plus strand (C>T on the coding strand, the complement: EIF2B4 is on the minus strand). VCF-style: chr2-27366881-G-A. GRCh37 (hg19) VCF-style: chr2-27589748-G-A.
Other names: c.1132C>T, p.Arg378Trp (NM_001318965.2); c.1024C>T, p.Arg342Trp (NM_001318966.2); c.976C>T, p.Arg326Trp (NM_001318967.2); c.484C>T, p.Arg162Trp (NM_001318968.2); c.451C>T, p.Arg151Trp (NM_001318969.2); c.1066C>T, p.Arg356Trp (NM_015636.4); c.1129C>T, p.Arg377Trp (NM_172195.4); c.1066C>T (NM_015636.3); short protein forms R378W, R326W, R342W, R377W, R151W, R162W, R357W, R356W.
Identifiers: ClinVar variation 2203030 (VCV002203030.4), dbSNP rs113994032, ClinGen allele CA1576662.